The following is an entry in ClinVar:

NM_002691.4(POLD1):c.2291G>A (p.Gly764Asp)

Gene: POLD1 (DNA polymerase delta 1, catalytic subunit; plus strand). Cytogenetic location: 19q13.33.
Variant type: single nucleotide variant.
Coding change: c.2291G>A on transcript NM_002691.4 (MANE Select); coding-DNA position 2291, G replaced by A.
Protein change: p.Gly764Asp; replaces glycine 764 with aspartic acid.
Molecular consequence: missense variant. On other transcripts: non-coding transcript variant (1).
Genome position (GRCh38, 1-based): chr19:50,413,782, G>A. VCF-style: chr19-50413782-G-A. GRCh37 (hg19) VCF-style: chr19-50917039-G-A.
Other names: c.2291G>A, p.Gly764Asp (NM_001256849.1); c.2369G>A, p.Gly790Asp (NM_001308632.1); short protein forms G790D, G764D.
Identifiers: ClinVar variation 864519 (VCV000864519.11), dbSNP rs879497930, ClinGen allele CA309604453.

ClinVar aggregate classification (germline): Uncertain significance. Review status: criteria provided, multiple submitters, no conflicts (2 of 4 stars). 2 submissions from 2 submitters: Uncertain significance (2). Last evaluated 2025-11-22.

Conditions:
POLD1-related polyposis and colorectal cancer syndrome (CRCS10). Also called: Colorectal cancer 10; COLORECTAL CANCER, SUSCEPTIBILITY TO, ON CHROMOSOME 19q; Colorectal cancer, susceptibility to, 10. Identifiers: Orphanet 220460, MedGen C2675481, MONDO:0012953, OMIM 612591.
Hereditary cancer-predisposing syndrome. Also called: Tumor predisposition; Hereditary Cancer Syndrome; Hereditary neoplastic syndrome; Neoplastic Syndromes, Hereditary. Identifiers: Orphanet 140162, MedGen C0027672, MeSH D009386, MONDO:0015356.

Allele frequency attached by ClinVar (database versions not stated): gnomAD exomes 0.00001; TOPMed 0.00001.
gnomAD v4.1: 17 of 1,611,890 alleles (0.0011%); highest among the groups gnomAD compares: Non-Finnish European, 0.0014%; no homozygotes.

Submissions (2):

Labcorp Genetics (formerly Invitae), Labcorp
Classification: Uncertain significance for POLD1-related polyposis and colorectal cancer syndrome. Last evaluated: 2025-11-22. Review status: criteria provided, single submitter. Criteria: Invitae Variant Classification Sherloc (09022015). Collection method: clinical testing. Allele origin: germline.
Comment: This sequence change replaces glycine, which is neutral and non-polar, with aspartic acid, which is acidic and polar, at codon 764 of the POLD1 protein (p.Gly764Asp). This variant is not present in population databases (gnomAD no frequency). This variant has not been reported in the literature in individuals affected with POLD1-related conditions. ClinVar contains an entry for this variant (Variation ID: 864519). Invitae Evidence Modeling of protein sequence and biophysical properties (such as structural, functional, and spatial information, amino acid conservation, physicochemical variation, residue mobility, and thermodynamic stability) indicates that this missense variant is not expected to disrupt POLD1 protein function with a negative predictive value of 80%. In summary, the available evidence is currently insufficient to determine the role of this variant in disease. Therefore, it has been classified as a Variant of Uncertain Significance.

Ambry Genetics
Classification: Uncertain significance for Hereditary cancer-predisposing syndrome. Last evaluated: 2025-11-18. Review status: criteria provided, single submitter. Criteria: Ambry Variant Classification Scheme 2023. Collection method: clinical testing. Allele origin: germline.
Comment: The p.G764D variant (also known as c.2291G>A), located in coding exon 18 of the POLD1 gene, results from a G to A substitution at nucleotide position 2291. The glycine at codon 764 is replaced by aspartic acid, an amino acid with similar properties. This amino acid position is conserved. In addition, the in silico prediction for this alteration is inconclusive. Since supporting evidence is limited at this time, the clinical significance of this alteration remains unclear.